The following is an entry in ClinVar:

ClinVar aggregate classification (germline): Uncertain significance. Review status: criteria provided, multiple submitters, no conflicts (2 of 4 stars). 2 submissions from 2 submitters: Uncertain significance (2). Last evaluated 2024-09-18.

Conditions:
Cardiovascular phenotype. Identifiers: MedGen CN230736.

Submissions (2):

Ambry Genetics
Classification: Uncertain significance for Cardiovascular phenotype. Last evaluated: 2024-09-18. Review status: criteria provided, single submitter. Criteria: Ambry Variant Classification Scheme 2023. Collection method: clinical testing. Allele origin: germline.
Comment: The c.3328_3332delACCTTinsC variant, located in coding exon 27 of the ABCC9 gene, results from the deletion of five nucleotides and insertion of one nucleotide causing a translational frameshift with a predicted alternate stop codon (p.T1110Rfs*4). This alteration is expected to result in premature protein truncation or nonsense-mediated mRNA decay. Although biallelic loss of function of ABCC9 has been associated with ABCC9-related neurodevelopmental myopathy syndrome, haploinsufficiency of ABCC9 has not been established as a mechanism of disease for ABCC9-related Cant&uacute; syndrome. Based on the supporting evidence, this variant is expected to be causative of ABCC9-related neurodevelopmental myopathy syndrome when present along with a second pathogenic variant on the other allele; however, its clinical significance for ABCC9-related Cant&uacute; syndrome is unclear.

GeneDx
Classification: Uncertain significance. Last evaluated: 2024-04-15. Review status: criteria provided, single submitter. Criteria: GeneDx Variant Classification Process June 2021. Collection method: clinical testing. Allele origin: germline. Affected: yes.
Comment: Has not been previously published as pathogenic or benign to our knowledge; Not observed at significant frequency in large population cohorts (gnomAD); Frameshift variant predicted to result in protein truncation or nonsense mediated decay in a gene or region of a gene for which loss of function is not a well-established mechanism of disease

Literature cited by the submitters: PubMed 36136372 (cited by Ambry Genetics).

NM_020297.4(ABCC9):c.3328_3332delinsC (p.Thr1110fs)

Gene: ABCC9 (ATP binding cassette subfamily C member 9; minus strand). Cytogenetic location: 12p12.1.
Variant type: Indel.
Coding change: c.3328_3332delinsC on transcript NM_020297.4 (MANE Select); coding-DNA positions 3328 to 3332, ACCTT replaced by C.
Protein change: p.Thr1110fs; shifts the reading frame from threonine 1110.
Molecular consequence: frameshift variant.
Genome position (GRCh38, 1-based): chr12:21,842,455-21,842,459, AAGGT replaced by G on the plus strand (ACCTT replaced by C on the coding strand, the reverse complement: ABCC9 is on the minus strand). VCF-style: chr12-21842455-AAGGT-G. GRCh37 (hg19) VCF-style: chr12-21995389-AAGGT-G.
Other names: c.3328_3332delinsC, p.Thr1110fs (NM_001377273.1, NM_005691.4); c.2461_2465delinsC, p.Thr821fs (NM_001377274.1); c.3328_3332delACCTTinsC, p.Thr1110Argfs (NM_020297.2); c.3328_3332delinsC (NM_020297.2); short protein forms T821fs, T1110fs.
Identifiers: ClinVar variation 1730267 (VCV001730267.4), dbSNP rs2541056368, ClinGen allele CA2580085260.